The following is an entry in ClinVar:

NM_000384.3(APOB):c.7615G>A (p.Val2539Ile)

Gene: APOB (apolipoprotein B; minus strand). Cytogenetic location: 2p24.1.
Variant type: single nucleotide variant.
Coding change: c.7615G>A on transcript NM_000384.3 (MANE Select); coding-DNA position 7615, G replaced by A.
Protein change: p.Val2539Ile; replaces valine 2539 with isoleucine.
Molecular consequence: missense variant.
Genome position (GRCh38, 1-based): chr2:21,009,253, C>T on the plus strand (G>A on the coding strand, the complement: APOB is on the minus strand). VCF-style: chr2-21009253-C-T. GRCh37 (hg19) VCF-style: chr2-21232125-C-T.
Other names: p.Val2539Ile; short protein forms V2539I.
Identifiers: ClinVar variation 334125 (VCV000334125.73), dbSNP rs148170480, ClinGen allele CA064596.

ClinVar aggregate classification (germline): Conflicting classifications of pathogenicity. Review status: criteria provided, conflicting classifications (1 of 4 stars). 16 submissions from 14 submitters: Uncertain significance (4); Benign (2); Likely benign (9). 1 of the submissions does not count toward it. Last evaluated 2026-09-01.

Conditions:
Cardiovascular phenotype. Identifiers: MedGen CN230736.
Hypercholesterolemia, autosomal dominant, type B (FHCL2). Also called: Hyperlipoproteinemia Type IIb; Familial hypercholesterolemia 2; APOB-Related Familial Hypercholesterolemia, Autosomal Dominant; HYPERCHOLESTEROLEMIA, FAMILIAL, DUE TO LIGAND-DEFECTIVE APOLIPOPROTEIN B; Familial Hypercholesterolemia Type B; APOLIPOPROTEIN B-100, FAMILIAL DEFECTIVE. Identifiers: MedGen C1704417, MONDO:0007751, OMIM 144010.
Familial hypobetalipoproteinemia 1. Also called: APOB-Related Familial Hypobetalipoproteinemia; Hypobetalipoproteinemia, normotriglyceridemic; Acanthocytosis with hypobetalipoproteinemia. Identifiers: MedGen C4551990, MONDO:0014252, OMIM 615558.
Hypercholesterolemia, familial, 1. Also called: LDL RECEPTOR DISORDER; Hyperlipoproteinemia Type IIa; HYPER-LOW-DENSITY-LIPOPROTEINEMIA; HYPERCHOLESTEROLEMIC XANTHOMATOSIS, FAMILIAL; Fredrickson type IIa hyperlipoproteinemia; Hyperlipoproteinemia type 2. Identifiers: Orphanet 391665, MedGen C0745103, MONDO:0007750, OMIM 143890.
APOB-related disorder. Also called: APOB-related disorders; APOB-related condition.

Allele frequency attached by ClinVar (database versions not stated): ESP Exome Variant Server 0.00238; ExAC 0.00240; gnomAD exomes 0.00303 and 0.00235; 1000 Genomes Project 30x 0.00141; 1000 Genomes Project 0.00160; TOPMed 0.00162; gnomAD 0.00210 and 0.00212.
gnomAD v4.1: 4,709 of 1,614,070 alleles (0.29%); highest among the groups gnomAD compares: Non-Finnish European, 0.33%; 10 homozygotes.

Submissions (16):

CeGaT Center for Human Genetics Tuebingen
Classification: Likely benign. Last evaluated: 2026-09-01. Review status: criteria provided, single submitter. Criteria: CeGaT Center For Human Genetics Tuebingen Variant Classification Criteria Version 2. Collection method: clinical testing. Allele origin: germline. Affected: yes. Observed: 17 variant alleles.
Comment: APOB: BP4

Labcorp Genetics (formerly Invitae), Labcorp
Classification: Benign for Familial hypobetalipoproteinemia 1; Hypercholesterolemia, autosomal dominant, type B. Last evaluated: 2026-02-01. Review status: criteria provided, single submitter. Criteria: Invitae Variant Classification Sherloc (09022015). Collection method: clinical testing. Allele origin: germline.

ARUP Laboratories, Molecular Genetics and Genomics, ARUP Laboratories
Classification: Likely benign. Last evaluated: 2025-06-05. Review status: criteria provided, single submitter. Criteria: ARUP Molecular Germline Variant Investigation Process 2024. Collection method: clinical testing. Allele origin: germline.

Blueprint Genetics
Classification: Likely benign. Last evaluated: 2024-11-23. Review status: criteria provided, single submitter. Criteria: ACMG Guidelines, 2015. Collection method: clinical testing. Allele origin: germline.

Mayo Clinic Laboratories, Mayo Clinic
Classification: Benign. Last evaluated: 2023-12-14. Review status: criteria provided, single submitter. Criteria: ACMG Guidelines, 2015. Collection method: clinical testing. Allele origin: germline. Observed: 13 variant alleles.
Comment: BS1, BS2, BP4

Quest Diagnostics Nichols Institute San Juan Capistrano
Classification: Likely benign. Last evaluated: 2023-05-18. Review status: criteria provided, single submitter. Criteria: Quest Diagnostics criteria. Collection method: clinical testing. Allele origin: unknown.

Molecular Diagnostic Laboratory for Inherited Cardiovascular Disease, Montreal Heart Institute
Classification: Likely benign. Last evaluated: 2019-09-20. Review status: criteria provided, single submitter. Criteria: ACMG Guidelines, 2015. Collection method: clinical testing. Allele origin: germline. Affected: yes.

Robarts Research Institute, Western University
Classification: Likely benign for Hypercholesterolemia, familial, 1. Last evaluated: 2019-08-22. Review status: criteria provided, single submitter. Criteria: Wang et al. (Arterioscler Thromb Vasc Biol. 2016). Collection method: clinical testing. Allele origin: germline. Inheritance: Autosomal dominant inheritance. Affected: yes. Observed: 1 variant allele.

Ambry Genetics
Classification: Likely benign for Cardiovascular phenotype. Last evaluated: 2018-10-30. Review status: criteria provided, single submitter. Criteria: Ambry Variant Classification Scheme 2023. Collection method: clinical testing. Allele origin: germline.

GeneDx
Classification: Likely benign. Last evaluated: 2018-02-23. Review status: criteria provided, single submitter. Criteria: GeneDx Variant Classification (06012015). Collection method: clinical testing. Allele origin: germline. Affected: yes.
Comment: This variant is considered likely benign or benign based on one or more of the following criteria: it is a conservative change, it occurs at a poorly conserved position in the protein, it is predicted to be benign by multiple in silico algorithms, and/or has population frequency not consistent with disease.

Illumina Laboratory Services, Illumina
Classification: Uncertain significance for Familial hypobetalipoproteinemia 1. Last evaluated: 2018-01-12. Review status: criteria provided, single submitter. Criteria: ICSL Variant Classification Criteria 13 December 2019. Collection method: clinical testing. Allele origin: germline.

Illumina Laboratory Services, Illumina
Classification: Uncertain significance for Hypercholesterolemia, autosomal dominant, type B. Last evaluated: 2018-01-12. Review status: criteria provided, single submitter. Criteria: ICSL Variant Classification Criteria 13 December 2019. Collection method: clinical testing. Allele origin: germline.

Phosphorus, Inc.
Classification: Uncertain significance for Hypercholesterolemia, autosomal dominant, type B. Last evaluated: 2017-08-01. Review status: criteria provided, single submitter. Criteria: ACMG Guidelines, 2015. Collection method: clinical testing. Allele origin: germline. Observed: 1 variant allele.

Phosphorus, Inc.
Classification: Uncertain significance for Familial hypobetalipoproteinemia 1. Last evaluated: 2017-08-01. Review status: criteria provided, single submitter. Criteria: ACMG Guidelines, 2015. Collection method: clinical testing. Allele origin: germline. Observed: 1 variant allele.

Color Diagnostics, LLC DBA Color Health
Classification: Likely benign for Familial hypercholesterolemia. Last evaluated: 2017-06-26. Review status: criteria provided, single submitter. Criteria: ACMG Guidelines, 2015. Collection method: clinical testing. Allele origin: germline.

PreventionGenetics, part of Exact Sciences
Classification: Likely benign for APOB-related condition. Last evaluated: 2022-03-18. Review status: no assertion criteria provided. Collection method: clinical testing. Allele origin: germline. Not counted in ClinVar's aggregate classification.
Comment: This variant is classified as likely benign based on ACMG/AMP sequence variant interpretation guidelines (Richards et al. 2015 PMID: 25741868, with internal and published modifications).

Literature cited by the submitters: PubMed 31150472 (cited by Mayo Clinic Laboratories, Mayo Clinic and Quest Diagnostics Nichols Institute San Juan Capistrano); PubMed 18710658 (cited by Quest Diagnostics Nichols Institute San Juan Capistrano and Phosphorus, Inc.); PubMed 27765764 (cited by Phosphorus, Inc.).